The following is an entry in ClinVar:

NM_006393.3(NEBL):c.2381G>A (p.Gly794Glu)

Gene: NEBL (nebulette; minus strand). Cytogenetic location: 10p12.31.
Variant type: single nucleotide variant.
Coding change: c.2381G>A on transcript NM_006393.3 (MANE Select); coding-DNA position 2381, G replaced by A.
Protein change: p.Gly794Glu; replaces glycine 794 with glutamic acid.
Molecular consequence: missense variant.
Genome position (GRCh38, 1-based): chr10:20,812,906, C>T on the plus strand (G>A on the coding strand, the complement: NEBL is on the minus strand). VCF-style: chr10-20812906-C-T. GRCh37 (hg19) VCF-style: chr10-21101835-C-T.
Other names: c.392G>A, p.Gly131Glu (NM_001173484.2, NM_001377322.1, NM_213569.2); c.344G>A, p.Gly115Glu (NM_001377323.1); c.335G>A, p.Gly112Glu (NM_001377324.1); c.326G>A, p.Gly109Glu (NM_001377325.1); c.284G>A, p.Gly95Glu (NM_001377326.1, NM_001377327.1, NM_001377328.1); short protein forms G794E, G109E, G115E, G95E, G112E, G131E.
Identifiers: ClinVar variation 3404015 (VCV003404015.1).

ClinVar aggregate classification (germline): Uncertain significance (1 of 4 stars; one submission).

gnomAD v4.1: 2 of 1,613,900 alleles (0.00012%); highest among the groups gnomAD compares: Non-Finnish European, 0.00017%; no homozygotes.

Submission:

Ambry Genetics
Classification: Uncertain significance. Last evaluated: 2024-10-30. Review status: criteria provided, single submitter. Criteria: Ambry Variant Classification Scheme 2023. Collection method: clinical testing. Allele origin: germline.
Comment: The p.G794E variant (also known as c.2381G>A), located in coding exon 24 of the NEBL gene, results from a G to A substitution at nucleotide position 2381. The glycine at codon 794 is replaced by glutamic acid, an amino acid with similar properties. This amino acid position is conserved. In addition, this alteration is predicted to be tolerated by in silico analysis. Based on the available evidence, the clinical significance of this variant remains unclear.